The following is an entry in ClinVar:

NM_001303256.3(MORC2):c.2380+6C>G

Gene: MORC2 (MORC family CW-type zinc finger 2; minus strand). Cytogenetic location: 22q12.2.
Variant type: single nucleotide variant.
Coding change: c.2380+6C>G on transcript NM_001303256.3 (MANE Select); 6 bases into the intron after coding-DNA position 2380, C replaced by G.
Molecular consequence: intron variant.
Genome position (GRCh38, 1-based): chr22:30,933,460, G>C on the plus strand (C>G on the coding strand, the complement: MORC2 is on the minus strand). VCF-style: chr22-30933460-G-C. GRCh37 (hg19) VCF-style: chr22-31329447-G-C.
Other names: c.2380+6C>G (NM_001303257.2); c.2194+6C>G (NM_014941.3).
Identifiers: ClinVar variation 542279 (VCV000542279.6), dbSNP rs1555936909, ClinGen allele CA658799536.

ClinVar aggregate classification (germline): Uncertain significance (1 of 4 stars; one submission).

Conditions:
Charcot-Marie-Tooth disease axonal type 2Z. Also called: CHARCOT-MARIE-TOOTH DISEASE, AXONAL, AUTOSOMAL DOMINANT, TYPE 2Z; CHARCOT-MARIE-TOOTH NEUROPATHY, TYPE 2Z. Identifiers: Orphanet 466768, MedGen C5569025, MONDO:0014736, OMIM 616688.

Allele frequency attached by ClinVar (database versions not stated): gnomAD exomes below 0.00001; TOPMed below 0.00001.
gnomAD v4.1: 3 of 1,613,520 alleles (0.00019%); highest among the groups gnomAD compares: Non-Finnish European, 0.00025%; no homozygotes.

Submission:

Labcorp Genetics (formerly Invitae), Labcorp
Classification: Uncertain significance for Charcot-Marie-Tooth disease axonal type 2Z. Last evaluated: 2021-09-02. Review status: criteria provided, single submitter. Criteria: Invitae Variant Classification Sherloc (09022015). Collection method: clinical testing. Allele origin: germline.
Comment: This sequence change falls in intron 21 of the MORC2 gene. It does not directly change the encoded amino acid sequence of the MORC2 protein. It affects a nucleotide within the consensus splice site of the intron. This variant is not present in population databases (ExAC no frequency). This variant has not been reported in the literature in individuals affected with MORC2-related conditions. Variants that disrupt the consensus splice site are a relatively common cause of aberrant splicing (PMID: 17576681, 9536098). Algorithms developed to predict the effect of sequence changes on RNA splicing suggest that this variant may create or strengthen a splice site. In summary, the available evidence is currently insufficient to determine the role of this variant in disease. Therefore, it has been classified as a Variant of Uncertain Significance.

Literature cited by the submitters: PubMed 17576681; PubMed 9536098.